The following is an entry in ClinVar:

NM_020461.4(TUBGCP6):c.5431A>T (p.Asn1811Tyr)

Gene: TUBGCP6 (tubulin gamma complex component 6; minus strand). Cytogenetic location: 22q13.33.
Variant type: single nucleotide variant.
Coding change: c.5431A>T on transcript NM_020461.4 (MANE Select); coding-DNA position 5431, A replaced by T.
Protein change: p.Asn1811Tyr; replaces asparagine 1811 with tyrosine.
Molecular consequence: missense variant.
Genome position (GRCh38, 1-based): chr22:50,217,765, T>A on the plus strand (A>T on the coding strand, the complement: TUBGCP6 is on the minus strand). VCF-style: chr22-50217765-T-A. GRCh37 (hg19) VCF-style: chr22-50656194-T-A.
Other names: short protein forms N1811Y.
Identifiers: ClinVar variation 1408759 (VCV001408759.8), dbSNP rs1205319610, ClinGen allele CA412161273.
Genomic context (GRCh38, chr22:50,217,765, plus strand): 5'-CTTTATTGTGCACGTCCCCCGCAGAGCAGCCTCAGGCGTCCTGGTAGTAGTTGTTGAAGT[T>A]GATGCGCAGCAGAAAGTCCTCCAGGTGGGGCTGGTAGCCGCGGTTCACCAGCTTGGTCAC-3'
Protein context (NP_065194.3, residues 1801-1819): PHLEDFLLRI[Asn1811Tyr]FNNYYQDA

ClinVar aggregate classification (germline): Uncertain significance. Review status: criteria provided, multiple submitters, no conflicts (2 of 4 stars). 2 submissions from 2 submitters: Uncertain significance (2). Last evaluated 2022-10-25.

Allele frequency attached by ClinVar (database versions not stated): gnomAD 0.00001.
gnomAD v4.1: 2 of 1,613,790 alleles (0.00012%); highest among the groups gnomAD compares: Admixed American, 0.0017%; no homozygotes.

Submissions (2):

Labcorp Genetics (formerly Invitae), Labcorp
Classification: Uncertain significance. Last evaluated: 2022-10-25. Review status: criteria provided, single submitter. Criteria: Invitae Variant Classification Sherloc (09022015). Collection method: clinical testing. Allele origin: germline.
Comment: In summary, the available evidence is currently insufficient to determine the role of this variant in disease. Therefore, it has been classified as a Variant of Uncertain Significance. Algorithms developed to predict the effect of missense changes on protein structure and function are either unavailable or do not agree on the potential impact of this missense change (SIFT: "Deleterious"; PolyPhen-2: "Probably Damaging"; Align-GVGD: "Class C0"). ClinVar contains an entry for this variant (Variation ID: 1408759). This variant has not been reported in the literature in individuals affected with TUBGCP6-related conditions. This variant is not present in population databases (gnomAD no frequency). This sequence change replaces asparagine, which is neutral and polar, with tyrosine, which is neutral and polar, at codon 1811 of the TUBGCP6 protein (p.Asn1811Tyr).

Laboratorio de Genetica e Diagnostico Molecular, Hospital Israelita Albert Einstein
Classification: Uncertain significance. Last evaluated: 2019-05-03. Review status: criteria provided, single submitter. Criteria: ACMG Guidelines, 2015. Collection method: clinical testing. Allele origin: germline. Affected: yes.
Comment: ACMG classification criteria: PM2, PP3